The following is an entry in ClinVar:

ClinVar aggregate classification (germline): Uncertain significance (1 of 4 stars; one submission).

Allele frequency attached by ClinVar (database versions not stated): gnomAD 0.00001; gnomAD exomes 0.00001; TOPMed 0.00001.
gnomAD v4.1: 14 of 1,607,316 alleles (0.00087%); highest among the groups gnomAD compares: East Asian, 0.0022%; no homozygotes.

Submission:

Labcorp Genetics (formerly Invitae), Labcorp
Classification: Uncertain significance. Last evaluated: 2024-02-22. Review status: criteria provided, single submitter. Criteria: Invitae Variant Classification Sherloc (09022015). Collection method: clinical testing. Allele origin: germline.
Comment: This sequence change replaces arginine, which is basic and polar, with cysteine, which is neutral and slightly polar, at codon 89 of the TNFRSF6B protein (p.Arg89Cys). This variant is not present in population databases (gnomAD no frequency). This variant has not been reported in the literature in individuals affected with TNFRSF6B-related conditions. Algorithms developed to predict the effect of missense changes on protein structure and function output the following: SIFT: "Not Available"; PolyPhen-2: "Probably Damaging"; Align-GVGD: "Not Available". The cysteine amino acid residue is found in multiple mammalian species, which suggests that this missense change does not adversely affect protein function. In summary, the available evidence is currently insufficient to determine the role of this variant in disease. Therefore, it has been classified as a Variant of Uncertain Significance.

NM_003823.4(TNFRSF6B):c.265C>T (p.Arg89Cys)

Genes: RTEL1-TNFRSF6B (RTEL1-TNFRSF6B readthrough (NMD candidate); plus strand), TNFRSF6B (TNF receptor superfamily member 6b; plus strand). Cytogenetic location: 20q13.33.
Variant type: single nucleotide variant.
Coding change: c.265C>T on transcript NM_003823.4 (MANE Select); coding-DNA position 265, C replaced by T.
Protein change: p.Arg89Cys; replaces arginine 89 with cysteine.
Molecular consequence: missense variant. On other transcripts: non-coding transcript variant (1).
Genome position (GRCh38, 1-based): chr20:63,697,032, C>T. VCF-style: chr20-63697032-C-T. GRCh37 (hg19) VCF-style: chr20-62328385-C-T.
Other names: short protein forms R89C.
Identifiers: ClinVar variation 2881077 (VCV002881077.3), dbSNP rs1269571612, ClinGen allele CA409711088.